The following is an entry in ClinVar:

NM_000540.3(RYR1):c.2032G>A (p.Ala678Thr)

Gene: RYR1 (ryanodine receptor 1; plus strand). Cytogenetic location: 19q13.2.
Variant type: single nucleotide variant.
Coding change: c.2032G>A on transcript NM_000540.3 (MANE Select); coding-DNA position 2032, G replaced by A.
Protein change: p.Ala678Thr; replaces alanine 678 with threonine.
Molecular consequence: missense variant.
Genome position (GRCh38, 1-based): chr19:38,458,157, G>A. VCF-style: chr19-38458157-G-A. GRCh37 (hg19) VCF-style: chr19-38948797-G-A.
Other names: c.2032G>A, p.Ala678Thr (NM_001042723.2); short protein forms A678T.
Identifiers: ClinVar variation 3071740 (VCV003071740.1), dbSNP rs773338504, ClinGen allele CA062760.

ClinVar aggregate classification (germline): Uncertain significance (1 of 4 stars; one submission).

Conditions:
Malignant hyperthermia, susceptibility to, 1 (MHS1). Also called: Anesthesia related hyperthermia; Malignant hyperpyrexia; Fulminating hyperpyrexia; Pharmacogenic myopathy; RYR1-Related Malignant Hyperthermia Susceptibility; Malignant hyperthermia suceptibility 1. Identifiers: Orphanet 423, MedGen C2930980, MONDO:0007783, OMIM 145600.

Allele frequency attached by ClinVar (database versions not stated): TOPMed below 0.00001; gnomAD 0.00001; gnomAD exomes 0.00003; ExAC 0.00006.
gnomAD v4.1: 17 of 1,613,862 alleles (0.0011%); highest among the groups gnomAD compares: Non-Finnish European, 0.0012%; no homozygotes.

Submission:

All of Us Research Program, National Institutes of Health
Classification: Uncertain significance for Malignant hyperthermia, susceptibility to, 1. Last evaluated: 2023-06-28. Review status: criteria provided, single submitter. Criteria: ACMG Guidelines, 2015. Collection method: clinical testing. Allele origin: germline. Inheritance: Autosomal dominant inheritance. Observed: 1 variant allele, 1 heterozygote.
Comment: This study involves interpretation of variants in research participants for the purpose of population health screening. Participant phenotype was not available at the time of variant classification. Additional details can be found in publication PMID: 35346344, PMCID: PMC8962531